The following is an entry in ClinVar:

ClinVar aggregate classification (germline): Pathogenic (1 of 4 stars; one submission).

Conditions:
Osteogenesis imperfecta type 7 (OI7). Also called: OSTEOGENESIS IMPERFECTA, TYPE IIB; Osteogenesis imperfecta type 2B; OI type 2B; Osteogenesis imperfecta, perinatal lethal autosomal recessive; OI type IIB; OI type 7. Identifiers: MedGen C1853162, MONDO:0012536, OMIM 610682.

Submission:

Labcorp Genetics (formerly Invitae), Labcorp
Classification: Pathogenic for Osteogenesis imperfecta type 7. Last evaluated: 2024-02-11. Review status: criteria provided, single submitter. Criteria: Invitae Variant Classification Sherloc (09022015). Collection method: clinical testing. Allele origin: germline.
Comment: This sequence change creates a premature translational stop signal (p.Val17Alafs*17) in the CRTAP gene. It is expected to result in an absent or disrupted protein product. Loss-of-function variants in CRTAP are known to be pathogenic (PMID: 17055431, 19862557, 24715559). This variant is not present in population databases (gnomAD no frequency). This variant has not been reported in the literature in individuals affected with CRTAP-related conditions. For these reasons, this variant has been classified as Pathogenic.

Literature cited by the submitters: PubMed 17055431; PubMed 19862557; PubMed 24715559.

NM_006371.5(CRTAP):c.50_74del (p.Val17fs)

Genes: CRTAP (cartilage associated protein; plus strand), LOC129936436 (ATAC-STARR-seq lymphoblastoid silent region 14183; plus strand). Cytogenetic location: 3p22.3.
Variant type: Deletion.
Coding change: c.50_74del on transcript NM_006371.5 (MANE Select); coding-DNA positions 50 to 74, 25 bases deleted (TGGCCTGCGCGCTGCGCGCCGGGCG).
Protein change: p.Val17fs; shifts the reading frame from valine 17.
Molecular consequence: frameshift variant.
Genome position (GRCh38, 1-based): chr3:33,114,127-33,114,151, TGGCCTGCGCGCTGCGCGCCGGGCG deleted; deleting any 25 consecutive bases within chr3:33,114,124-33,114,151 gives the same sequence; the c. name uses the placement nearest the transcript's 3' end. VCF-style (leftmost placement, unchanged base first): chr3-33114123-TGCGTGGCCTGCGCGCTGCGCGCCGG-T. GRCh37 (hg19) VCF-style: chr3-33155615-TGCGTGGCCTGCGCGCTGCGCGCCGG-T.
Other names: c.50_74del, p.Val17fs (NM_001393363.1, NM_001393364.1, NM_001393365.1); short protein forms V17fs.
Identifiers: ClinVar variation 3680538 (VCV003680538.2).